The following is an entry in ClinVar:

NM_022051.3(EGLN1):c.9T>G (p.Asn3Lys)

Gene: EGLN1 (egl-9 family hypoxia inducible factor 1; minus strand). Cytogenetic location: 1q42.2.
Variant type: single nucleotide variant.
Coding change: c.9T>G on transcript NM_022051.3 (MANE Select); coding-DNA position 9, T replaced by G.
Protein change: p.Asn3Lys; replaces asparagine 3 with lysine.
Molecular consequence: missense variant.
Genome position (GRCh38, 1-based): chr1:231,421,880, A>C on the plus strand (T>G on the coding strand, the complement: EGLN1 is on the minus strand). VCF-style: chr1-231421880-A-C. GRCh37 (hg19) VCF-style: chr1-231557626-A-C.
Other names: c.9T>G, p.Asn3Lys (NM_001377261.1, NM_001377260.1); c.9T>G (NM_022051.2); short protein forms N3K.
Identifiers: ClinVar variation 2739843 (VCV002739843.4), dbSNP rs1656639146, ClinGen allele CA345239632.

ClinVar aggregate classification (germline): Uncertain significance. Review status: criteria provided, multiple submitters, no conflicts (2 of 4 stars). 2 submissions from 2 submitters: Uncertain significance (2). Last evaluated 2024-09-02.

Conditions:
Erythrocytosis, familial, 3 (ECYT3). Identifiers: Orphanet 247511, MedGen C1853286, MONDO:0012353, OMIM 609820.

Allele frequency attached by ClinVar (database versions not stated): gnomAD 0.00001.
gnomAD v4.1: 1 of 1,483,442 alleles (0.000067%); highest among the groups gnomAD compares: Non-Finnish European, 0.000089%; no homozygotes.

Submissions (2):

Ambry Genetics
Classification: Uncertain significance. Last evaluated: 2024-09-02. Review status: criteria provided, single submitter. Criteria: Ambry Variant Classification Scheme 2023. Collection method: clinical testing. Allele origin: germline.
Comment: The p.N3K variant (also known as c.9T>G), located in coding exon 1 of the EGLN1 gene, results from a T to G substitution at nucleotide position 9. The asparagine at codon 3 is replaced by lysine, an amino acid with similar properties. This amino acid position is conserved. In addition, this alteration is predicted to be tolerated by in silico analysis. Based on the available evidence, the clinical significance of this variant remains unclear.

Labcorp Genetics (formerly Invitae), Labcorp
Classification: Uncertain significance for Erythrocytosis, familial, 3. Last evaluated: 2023-10-10. Review status: criteria provided, single submitter. Criteria: Invitae Variant Classification Sherloc (09022015). Collection method: clinical testing. Allele origin: germline.
Comment: This sequence change replaces asparagine, which is neutral and polar, with lysine, which is basic and polar, at codon 3 of the EGLN1 protein (p.Asn3Lys). This variant is not present in population databases (gnomAD no frequency). This variant has not been reported in the literature in individuals affected with EGLN1-related conditions. An algorithm developed to predict the effect of missense changes on protein structure and function (PolyPhen-2) suggests that this variant is likely to be tolerated. In summary, the available evidence is currently insufficient to determine the role of this variant in disease. Therefore, it has been classified as a Variant of Uncertain Significance.